The following is an entry in ClinVar:

NM_000136.3(FANCC):c.-79+2dup

Gene: FANCC (FA complementation group C; minus strand). Cytogenetic location: 9q22.32.
Variant type: Duplication.
Coding change: c.-79+2dup on transcript NM_000136.3 (MANE Select); the canonical splice donor site of the intron after 79 bases upstream of the start codon, one base duplicated (T; older notation c.-79+2dupT).
Molecular consequence: splice donor variant.
Genome position (GRCh38, 1-based): chr9:95,317,524, A duplicated on the plus strand (T on the coding strand, the reverse complement: FANCC is on the minus strand). VCF-style (leftmost placement, unchanged base first): chr9-95317523-T-TA. GRCh37 (hg19) VCF-style: chr9-98079805-T-TA.
Other names: c.-79+2dup (NM_001243744.2).
Identifiers: ClinVar variation 1422735 (VCV001422735.6), dbSNP rs2136457021, ClinGen allele CA2573144834.

ClinVar aggregate classification (germline): Uncertain significance (1 of 4 stars; one submission).

Conditions:
Fanconi anemia (FA). Also called: Fanconi's anemia. Identifiers: Orphanet 84, MedGen C0015625, MeSH D005199, MONDO:0019391.

Submission:

Labcorp Genetics (formerly Invitae), Labcorp
Classification: Uncertain significance for Fanconi anemia. Last evaluated: 2021-10-01. Review status: criteria provided, single submitter. Criteria: Invitae Variant Classification Sherloc (09022015). Collection method: clinical testing. Allele origin: germline.
Comment: In summary, the available evidence is currently insufficient to determine the role of this variant in disease. Therefore, it has been classified as a Variant of Uncertain Significance. Algorithms developed to predict the effect of sequence changes on RNA splicing suggest that this variant may disrupt splicing. This variant has not been reported in the literature in individuals affected with FANCC-related conditions. The frequency data for this variant in the population databases is considered unreliable, as metrics indicate insufficient coverage at this position in the ExAC database. This variant occurs in a non-coding region of the FANCC gene. It does not change the encoded amino acid sequence of the FANCC protein.